The following is an entry in ClinVar:

NM_022168.4(IFIH1):c.2429T>A (p.Val810Asp)

Gene: IFIH1 (interferon induced with helicase C domain 1; minus strand). Cytogenetic location: 2q24.2.
Variant type: single nucleotide variant.
Coding change: c.2429T>A on transcript NM_022168.4 (MANE Select); coding-DNA position 2429, T replaced by A.
Protein change: p.Val810Asp; replaces valine 810 with aspartic acid.
Molecular consequence: missense variant.
Genome position (GRCh38, 1-based): chr2:162,273,820, A>T on the plus strand (T>A on the coding strand, the complement: IFIH1 is on the minus strand). VCF-style: chr2-162273820-A-T. GRCh37 (hg19) VCF-style: chr2-163130330-A-T.
Other names: short protein forms V810D.
Identifiers: ClinVar variation 2922351 (VCV002922351.1), dbSNP rs1691094411, ClinGen allele CA348995750.
Genomic context (GRCh38, chr2:162,273,820, plus strand): 5'-AAATTAACATAGTAAGTAGAGGTATTTGAATGTACCTGGACCATGGCTATTTCATTGGTG[A>T]CGAGACCATAACGGATAACAATGTTACATTCTTTAATATCCAGACCTTCTTCTGCCACTG-3'
Protein context (NP_071451.2, residues 800-820): ECNIVIRYGL[Val810Asp]TNEIAMVQAR

ClinVar aggregate classification (germline): Uncertain significance (1 of 4 stars; one submission).

Conditions:
Aicardi-Goutieres syndrome 7 (AGS7). Identifiers: Orphanet 51, MedGen C3888244, MONDO:0014367, OMIM 615846.
Singleton-Merten syndrome 1 (SGMRT1). Also called: Widened medullary cavities of bone, aortic calcification, abnormal dentition, and muscular weakness; Syndrome of widened medullary cavities of the metacarpals and phalanges, aortic calcification and abnormal dentition. Identifiers: Orphanet 85191, MedGen C4225427, MONDO:0024535, OMIM 182250.

Allele frequency attached by ClinVar (database versions not stated): gnomAD exomes below 0.00001; TOPMed below 0.00001.

Submission:

Labcorp Genetics (formerly Invitae), Labcorp
Classification: Uncertain significance for Aicardi-Goutieres syndrome 7; Singleton-Merten syndrome 1. Last evaluated: 2024-01-21. Review status: criteria provided, single submitter. Criteria: Invitae Variant Classification Sherloc (09022015). Collection method: clinical testing. Allele origin: germline.
Comment: This sequence change replaces valine, which is neutral and non-polar, with aspartic acid, which is acidic and polar, at codon 810 of the IFIH1 protein (p.Val810Asp). This variant is not present in population databases (gnomAD no frequency). This variant has not been reported in the literature in individuals affected with IFIH1-related conditions. Advanced modeling of protein sequence and biophysical properties (such as structural, functional, and spatial information, amino acid conservation, physicochemical variation, residue mobility, and thermodynamic stability) has been performed at Invitae for this missense variant, however the output from this modeling did not meet the statistical confidence thresholds required to predict the impact of this variant on IFIH1 protein function. In summary, the available evidence is currently insufficient to determine the role of this variant in disease. Therefore, it has been classified as a Variant of Uncertain Significance.